The following is an entry in ClinVar:

ClinVar aggregate classification (germline): Likely benign. Review status: criteria provided, single submitter (1 of 4 stars). 3 submissions from 3 submitters: Likely benign (1). 2 of the submissions do not count toward it.

Conditions:
Diabetes mellitus, permanent neonatal 2. Also called: KCNJ11-Related Permanent Neonatal Diabetes Mellitus. Identifiers: MedGen C5394296, MONDO:0030087, OMIM 618856.
Transitory neonatal diabetes mellitus. Also called: Transient neonatal diabetes mellitus. Identifiers: MedGen C0342273, MONDO:0020525, HP:0008255.
Permanent neonatal diabetes mellitus (PNDM). Identifiers: Orphanet 99885, MedGen C1833104, MONDO:0100164, MONDO:0011643. Disease mechanism: gain of function.

Submissions (3):

Clinical Genomics, Uppaluri K&H Personalized Medicine Clinic
Classification: Likely benign for Transitory neonatal diabetes mellitus. Review status: criteria provided, single submitter. Criteria: K & H Uppaluri Personalized Medicine Clinic Variant Classification & Assertion Criteria_Updated V.1. Collection method: research. Allele origin: somatic. Inheritance: Autosomal dominant inheritance. Affected: yes.
Comment: Mutations in KCNJ11 gene can cause decreased production and secretion of insulin. This can lead to MODY. This particular variant (rs80356617 -V59G) of KCNJ11 gene can result in non response to sulfonylureas in Neonatal Diabetes whereas V59A of rs80356617 of KCNJ11 gene may result in good response to oral sulfonylureas.

OMIM
Classification: Pathogenic for DIABETES MELLITUS, PERMANENT NEONATAL, 2, WITH NEUROLOGIC FEATURES. Last evaluated: 2004-12-14. Review status: no assertion criteria provided. Collection method: literature only. Allele origin: germline. Not counted in ClinVar's aggregate classification.

GeneReviews
No classification provided. Condition: Permanent neonatal diabetes mellitus. Review status: no classification provided. Collection method: literature only. Allele origin: unknown. Not counted in ClinVar's aggregate classification.

Literature cited by the submitters: PubMed 19139106 (cited by Clinical Genomics, Uppaluri K&H Personalized Medicine Clinic); PubMed 15115830 (cited by OMIM and GeneReviews); PubMed 15583126 (cited by OMIM and GeneReviews); PubMed 16123337 (cited by GeneReviews); PubMed 20301620 (cited by GeneReviews); NCBI Bookshelf NBK1447 (cited by GeneReviews).

NM_000525.4(KCNJ11):c.176T>G (p.Val59Gly)

Gene: KCNJ11 (potassium inwardly rectifying channel subfamily J member 11; minus strand). Cytogenetic location: 11p15.1.
Variant type: single nucleotide variant.
Coding change: c.176T>G on transcript NM_000525.4 (MANE Select); coding-DNA position 176, T replaced by G.
Protein change: p.Val59Gly; replaces valine 59 with glycine.
Molecular consequence: missense variant. On other transcripts: intron variant (3).
Genome position (GRCh38, 1-based): chr11:17,387,916, A>C on the plus strand (T>G on the coding strand, the complement: KCNJ11 is on the minus strand). VCF-style: chr11-17387916-A-C. GRCh37 (hg19) VCF-style: chr11-17409463-A-C.
Other names: c.-16-70T>G (NM_001377296.1, NM_001166290.2, NM_001377297.1); short protein forms V59G.
Identifiers: ClinVar variation 8669 (VCV000008669.8), dbSNP rs80356617, ClinGen allele CA119827.